The following is an entry in ClinVar:

NM_006268.5(DPF2):c.973A>G (p.Ile325Val)

Gene: DPF2 (double PHD fingers 2; plus strand). Cytogenetic location: 11q13.1.
Variant type: single nucleotide variant.
Coding change: c.973A>G on transcript NM_006268.5 (MANE Select); coding-DNA position 973, A replaced by G.
Protein change: p.Ile325Val; replaces isoleucine 325 with valine.
Molecular consequence: missense variant.
Genome position (GRCh38, 1-based): chr11:65,346,315, A>G. VCF-style: chr11-65346315-A-G. GRCh37 (hg19) VCF-style: chr11-65113786-A-G.
Other names: c.1015A>G, p.Ile339Val (NM_001330308.2); short protein forms I325V, I339V.
Identifiers: ClinVar variation 3252410 (VCV003252410.1), dbSNP rs2495407191.

ClinVar aggregate classification (germline): Uncertain significance (1 of 4 stars; one submission).

Submission:

GeneDx
Classification: Uncertain significance. Last evaluated: 2023-10-09. Review status: criteria provided, single submitter. Criteria: GeneDx Variant Classification Process June 2021. Collection method: clinical testing. Allele origin: germline. Affected: yes.
Comment: Not observed at significant frequency in large population cohorts (gnomAD); In silico analysis supports that this missense variant does not alter protein structure/function; Has not been previously published as pathogenic or benign to our knowledge